The following is an entry in ClinVar:

ClinVar aggregate classification (germline): Pathogenic (1 of 4 stars; one submission).

Submission:

GeneDx
Classification: Pathogenic. Last evaluated: 2024-05-13. Review status: criteria provided, single submitter. Criteria: GeneDx Variant Classification Process June 2021. Collection method: clinical testing. Allele origin: germline. Affected: yes.
Comment: Frameshift variant predicted to result in abnormal protein length as the last 759 amino acids are replaced with 39 different amino acids, and other similar variants have been reported in HGMD; Not observed at significant frequency in large population cohorts (gnomAD); This variant is associated with the following publications: (PMID: 35982159, 33057194, 27148574)

NM_001371928.1(AHDC1):c.2529_2545del (p.Asp845fs)

Gene: AHDC1 (AT-hook DNA binding motif containing 1; minus strand). Cytogenetic location: 1p36.11.
Variant type: Deletion.
Coding change: c.2529_2545del on transcript NM_001371928.1 (MANE Select); coding-DNA positions 2529 to 2545, 17 bases deleted (GCTCGATTCGGATGACT).
Protein change: p.Asp845fs; shifts the reading frame from aspartic acid 845.
Molecular consequence: frameshift variant.
Genome position (GRCh38, 1-based): chr1:27,549,571-27,549,587, AGTCATCCGAATCGAGC deleted on the plus strand (GCTCGATTCGGATGACT on the coding strand, the reverse complement: AHDC1 is on the minus strand); deleting any 17 consecutive bases within chr1:27,549,571-27,549,589 gives the same sequence; the c. name uses the placement nearest the transcript's 3' end. VCF-style (leftmost placement, unchanged base first): chr1-27549570-GAGTCATCCGAATCGAGC-G. GRCh37 (hg19) VCF-style: chr1-27876081-GAGTCATCCGAATCGAGC-G.
Other names: c.2529_2545del, p.Asp845fs (NM_001029882.3); c.2529_2545delGCTCGATTCGGATGACT (NM_001029882.2); c.2529_2545del (NM_001029882.2); short protein forms D845fs.
Identifiers: ClinVar variation 208159 (VCV000208159.2), dbSNP rs796065043, ClinGen allele CA319661.